The following is an entry in ClinVar:

NM_001129.5(AEBP1):c.2608G>T (p.Glu870Ter)

Gene: AEBP1 (AE binding protein 1; plus strand). Cytogenetic location: 7p13.
Variant type: single nucleotide variant.
Coding change: c.2608G>T on transcript NM_001129.5 (MANE Select); coding-DNA position 2608, G replaced by T.
Protein change: p.Glu870Ter; replaces glutamic acid 870 with a stop codon.
Molecular consequence: nonsense.
Genome position (GRCh38, 1-based): chr7:44,113,029, G>T. VCF-style: chr7-44113029-G-T. GRCh37 (hg19) VCF-style: chr7-44152628-G-T.
Other names: short protein forms E870*.
Identifiers: ClinVar variation 2697420 (VCV002697420.3), dbSNP rs1479880253, ClinGen allele CA367371950.

ClinVar aggregate classification (germline): Pathogenic (1 of 4 stars; one submission).

Submission:

Labcorp Genetics (formerly Invitae), Labcorp
Classification: Pathogenic. Last evaluated: 2023-11-19. Review status: criteria provided, single submitter. Criteria: Invitae Variant Classification Sherloc (09022015). Collection method: clinical testing. Allele origin: germline.
Comment: This sequence change creates a premature translational stop signal (p.Glu870*) in the AEBP1 gene. It is expected to result in an absent or disrupted protein product. Loss-of-function variants in AEBP1 are known to be pathogenic (PMID: 29606302). This variant is not present in population databases (gnomAD no frequency). This variant has not been reported in the literature in individuals affected with AEBP1-related conditions. For these reasons, this variant has been classified as Pathogenic.

Literature cited by the submitters: PubMed 29606302.